The following is an entry in ClinVar:

NM_001458.5(FLNC):c.4487A>G (p.Asn1496Ser)

Gene: FLNC (filamin C; plus strand). Cytogenetic location: 7q32.1.
Variant type: single nucleotide variant.
Coding change: c.4487A>G on transcript NM_001458.5 (MANE Select); coding-DNA position 4487, A replaced by G.
Protein change: p.Asn1496Ser; replaces asparagine 1496 with serine.
Molecular consequence: missense variant.
Genome position (GRCh38, 1-based): chr7:128,847,975, A>G. VCF-style: chr7-128847975-A-G. GRCh37 (hg19) VCF-style: chr7-128488029-A-G.
Other names: c.4487A>G, p.Asn1496Ser (NM_001127487.2); short protein forms N1496S.
Identifiers: ClinVar variation 1951239 (VCV001951239.6), dbSNP rs778468025, ClinGen allele CA4475358.

ClinVar aggregate classification (germline): Uncertain significance. Review status: criteria provided, multiple submitters, no conflicts (2 of 4 stars). 3 submissions from 3 submitters: Uncertain significance (3). Last evaluated 2026-07-07.

Conditions:
Distal myopathy with posterior leg and anterior hand involvement. Also called: WILLIAMS DISTAL MYOPATHY. Identifiers: Orphanet 63273, MedGen C3279722, MONDO:0013550, OMIM 614065.
Hypertrophic cardiomyopathy 26. Also called: Cardiomyopathy, familial hypertrophic, 26. Identifiers: Orphanet 75249, MedGen C4310749, MONDO:0014883, OMIM 617047.
Myofibrillar myopathy 5. Also called: Filaminopathy (type); FILAMINOPATHY, AUTOSOMAL DOMINANT. Identifiers: Orphanet 171445, MedGen C1836050, MONDO:0012289, OMIM 609524.
Cardiovascular phenotype. Identifiers: MedGen CN230736.

Allele frequency attached by ClinVar (database versions not stated): gnomAD exomes 0.00001; ExAC 0.00001.

Submissions (3):

Ambry Genetics
Classification: Uncertain significance for Cardiovascular phenotype. Last evaluated: 2026-07-07. Review status: criteria provided, single submitter. Criteria: Ambry Variant Classification Scheme 2023. Collection method: clinical testing. Allele origin: germline.
Comment: The p.N1496S variant (also known as c.4487A>G), located in coding exon 26 of the FLNC gene, results from an A to G substitution at nucleotide position 4487. The asparagine at codon 1496 is replaced by serine, an amino acid with highly similar properties. This amino acid position is conserved. In addition, this alteration is predicted to be tolerated by in silico analysis. Based on the available evidence, the clinical significance of this variant remains unclear.

Labcorp Genetics (formerly Invitae), Labcorp
Classification: Uncertain significance for Distal myopathy with posterior leg and anterior hand involvement; Myofibrillar myopathy 5; Hypertrophic cardiomyopathy 26. Last evaluated: 2024-08-19. Review status: criteria provided, single submitter. Criteria: Invitae Variant Classification Sherloc (09022015). Collection method: clinical testing. Allele origin: germline.
Comment: This sequence change replaces asparagine, which is neutral and polar, with serine, which is neutral and polar, at codon 1496 of the FLNC protein (p.Asn1496Ser). This variant is present in population databases (rs778468025, gnomAD 0.0009%). This variant has not been reported in the literature in individuals affected with FLNC-related conditions. ClinVar contains an entry for this variant (Variation ID: 1951239). Invitae Evidence Modeling of protein sequence and biophysical properties (such as structural, functional, and spatial information, amino acid conservation, physicochemical variation, residue mobility, and thermodynamic stability) has been performed for this missense variant. However, the output from this modeling did not meet the statistical confidence thresholds required to predict the impact of this variant on FLNC protein function. In summary, the available evidence is currently insufficient to determine the role of this variant in disease. Therefore, it has been classified as a Variant of Uncertain Significance.

Revvity Omics, Revvity
Classification: Uncertain significance. Last evaluated: 2023-10-04. Review status: criteria provided, single submitter. Criteria: ACMG Guidelines, 2015. Collection method: clinical testing. Allele origin: germline.